The following is an entry in ClinVar:

NM_018008.4(FEZF2):c.748_749del (p.Ser250fs)

Gene: FEZF2 (FEZ family zinc finger 2; minus strand). Cytogenetic location: 3p14.2.
Variant type: Deletion.
Coding change: c.748_749del on transcript NM_018008.4 (MANE Select); coding-DNA positions 748 to 749, 2 bases deleted (TC; older notation c.748_749delTC).
Protein change: p.Ser250fs; shifts the reading frame from serine 250.
Molecular consequence: frameshift variant.
Genome position (GRCh38, 1-based): chr3:62,372,120-62,372,121, GA deleted on the plus strand (TC on the coding strand, the reverse complement: FEZF2 is on the minus strand); deleting any 2 consecutive bases within chr3:62,372,120-62,372,122 gives the same sequence; the c. name uses the placement nearest the transcript's 3' end. VCF-style (leftmost placement, unchanged base first): chr3-62372119-CGA-C. GRCh37 (hg19) VCF-style: chr3-62357794-CGA-C.
Other names: short protein forms S250fs.
Identifiers: ClinVar variation 3367546 (VCV003367546.1).

ClinVar aggregate classification (germline): Uncertain significance (1 of 4 stars; one submission).

Submission:

GeneDx
Classification: Uncertain significance. Last evaluated: 2024-01-04. Review status: criteria provided, single submitter. Criteria: GeneDx Variant Classification Process June 2021. Collection method: clinical testing. Allele origin: germline. Affected: yes.
Comment: Frameshift variant predicted to result in protein truncation or nonsense mediated decay in a gene for which loss-of-function is not a known/ an established mechanism of disease; Not observed at significant frequency in large population cohorts (gnomAD); Has not been previously published as pathogenic or benign to our knowledge; Variants in candidate genes are classified as variants of uncertain significance in accordance with ACMG guidelines (PMID: 25741868)